The following is an entry in ClinVar:

NM_017882.3(CLN6):c.183del (p.Arg62fs)

Gene: CLN6 (CLN6 transmembrane ER protein; minus strand). Cytogenetic location: 15q23.
Variant type: Deletion.
Coding change: c.183del on transcript NM_017882.3 (MANE Select); coding-DNA position 183, one base deleted (G; older notation c.183delG).
Protein change: p.Arg62fs; shifts the reading frame from arginine 62.
Molecular consequence: frameshift variant.
Genome position (GRCh38, 1-based): chr15:68,218,551, C deleted on the plus strand (G on the coding strand, the reverse complement: CLN6 is on the minus strand); the first of 3 consecutive C bases (chr15:68,218,551-68,218,553); deleting any one gives the same sequence. VCF-style (leftmost placement, unchanged base first): chr15-68218550-GC-G. GRCh37 (hg19) VCF-style: chr15-68510888-GC-G.
Other names: c.279del, p.Arg94fs (NM_001411068.1); short protein forms R62fs, R94fs.
Identifiers: ClinVar variation 2852290 (VCV002852290.3), dbSNP rs2505421701, ClinGen allele CA2739269528.

ClinVar aggregate classification (germline): Pathogenic (1 of 4 stars; one submission).

Conditions:
Neuronal ceroid lipofuscinosis. Also called: Neuronal Ceroid Lipofuscinoses. Identifiers: Orphanet 216, Orphanet 79263, MedGen C0027877, MONDO:0016295. Disease mechanism: loss of function.

Submission:

Labcorp Genetics (formerly Invitae), Labcorp
Classification: Pathogenic for Neuronal ceroid lipofuscinosis. Last evaluated: 2023-04-06. Review status: criteria provided, single submitter. Criteria: Invitae Variant Classification Sherloc (09022015). Collection method: clinical testing. Allele origin: germline.
Comment: For these reasons, this variant has been classified as Pathogenic. This sequence change creates a premature translational stop signal (p.Arg62Valfs*54) in the CLN6 gene. It is expected to result in an absent or disrupted protein product. Loss-of-function variants in CLN6 are known to be pathogenic (PMID: 19135028). This variant is not present in population databases (gnomAD no frequency). This variant has not been reported in the literature in individuals affected with CLN6-related conditions.

Literature cited by the submitters: PubMed 19135028.